The following is an entry in ClinVar:

ClinVar aggregate classification (germline): Uncertain significance (1 of 4 stars; one submission).

gnomAD v4.1: 35 of 1,614,090 alleles (0.0022%); highest among the groups gnomAD compares: Admixed American, 0.015%; no homozygotes.

Submission:

Labcorp Genetics (formerly Invitae), Labcorp
Classification: Uncertain significance. Last evaluated: 2025-03-25. Review status: criteria provided, single submitter. Criteria: Invitae Variant Classification Sherloc (09022015). Collection method: clinical testing. Allele origin: germline.
Comment: This sequence change replaces serine, which is neutral and polar, with proline, which is neutral and non-polar, at codon 1683 of the FAT2 protein (p.Ser1683Pro). This variant is present in population databases (rs763431576, gnomAD 0.02%). This variant has not been reported in the literature in individuals affected with FAT2-related conditions. Invitae Evidence Modeling of protein sequence and biophysical properties (such as structural, functional, and spatial information, amino acid conservation, physicochemical variation, residue mobility, and thermodynamic stability) indicates that this missense variant is not expected to disrupt FAT2 protein function with a negative predictive value of 80%. In summary, the available evidence is currently insufficient to determine the role of this variant in disease. Therefore, it has been classified as a Variant of Uncertain Significance.

NM_001447.3(FAT2):c.5047T>C (p.Ser1683Pro)

Genes: FAT2 (FAT atypical cadherin 2; minus strand), SLC36A1 (solute carrier family 36 member 1; plus strand). Cytogenetic location: 5q33.1.
Variant type: single nucleotide variant.
Coding change: c.5047T>C on transcript NM_001447.3 (MANE Select); coding-DNA position 5047, T replaced by C.
Protein change: p.Ser1683Pro; replaces serine 1683 with proline.
Molecular consequence: missense variant.
Genome position (GRCh38, 1-based): chr5:151,546,080, A>G on the plus strand (T>C on the coding strand, the complement: FAT2 is on the minus strand). VCF-style: chr5-151546080-A-G. GRCh37 (hg19) VCF-style: chr5-150925641-A-G.
Other names: short protein forms S1683P.
Identifiers: ClinVar variation 3632221 (VCV003632221.2).